The following is an entry in ClinVar:

ClinVar aggregate classification (germline): Conflicting classifications of pathogenicity. Review status: criteria provided, conflicting classifications (1 of 4 stars). 2 submissions from 2 submitters: Likely pathogenic (1); Uncertain significance (1). Last evaluated 2025-10-10.

Conditions:
Seizure. Also called: Seizures. Identifiers: MedGen C0036572, HP:0001250.

Submissions (2):

Labcorp Genetics (formerly Invitae), Labcorp
Classification: Uncertain significance. Last evaluated: 2025-10-10. Review status: criteria provided, single submitter. Criteria: Invitae Variant Classification Sherloc (09022015). Collection method: clinical testing. Allele origin: germline.
Comment: This sequence change creates a premature translational stop signal (p.Arg94*) in the GABRA2 gene. It is expected to result in an absent or disrupted protein product. However, the current clinical and genetic evidence is not sufficient to establish whether loss-of-function variants in GABRA2 cause disease. This variant is not present in population databases (gnomAD no frequency). This variant has not been reported in the literature in individuals affected with GABRA2-related conditions. ClinVar contains an entry for this variant (Variation ID: 4073634). In summary, the available evidence is currently insufficient to determine the role of this variant in disease. Therefore, it has been classified as a Variant of Uncertain Significance.

Cytogénomique, Hospices Civils de Lyon
Classification: Likely pathogenic for Seizure. Last evaluated: 2025-05-15. Review status: criteria provided, single submitter. Criteria: ACMG Guidelines, 2015. Collection method: clinical testing. Allele origin: maternal. Affected: yes.

NM_000807.4(GABRA2):c.280C>T (p.Arg94Ter)

Gene: GABRA2 (gamma-aminobutyric acid type A receptor subunit alpha2; minus strand). Cytogenetic location: 4p12.
Variant type: single nucleotide variant.
Coding change: c.280C>T on transcript NM_000807.4 (MANE Select); coding-DNA position 280, C replaced by T.
Protein change: p.Arg94Ter; replaces arginine 94 with a stop codon.
Molecular consequence: nonsense.
Genome position (GRCh38, 1-based): chr4:46,312,692, G>A on the plus strand (C>T on the coding strand, the complement: GABRA2 is on the minus strand). VCF-style: chr4-46312692-G-A. GRCh37 (hg19) VCF-style: chr4-46314709-G-A.
Other names: c.280C>T, p.Arg94Ter (NM_001114175.3, NM_001330690.2, NM_001377144.1 and 8 more transcripts); c.115C>T, p.Arg39Ter (NM_001286827.3, NM_001377152.1, NM_001377153.1 and 1 more transcripts); short protein forms R39*, R94*.
Identifiers: ClinVar variation 4073634 (VCV004073634.2).
Genomic context (GRCh38, chr4:46,312,692, plus strand): 5'-TTAGTCGAAGGATATTCATAGGACCTTTAAATTTTAAACGTTCATCTTTCCATTTTTGTC[G>A]AAAGAAAACATCAATTGTATATTCCTGAAATAAAAAATAGAATTTTTTTGAAAATAGTAA-3'